The following is an entry in ClinVar:

NM_000274.4(OAT):c.461G>T (p.Arg154Leu)

Gene: OAT (ornithine aminotransferase; minus strand). Cytogenetic location: 10q26.13.
Variant type: single nucleotide variant.
Coding change: c.461G>T on transcript NM_000274.4 (MANE Select); coding-DNA position 461, G replaced by T.
Protein change: p.Arg154Leu; replaces arginine 154 with leucine.
Molecular consequence: missense variant. On other transcripts: 5 prime UTR variant (1), intron variant (1).
Genome position (GRCh38, 1-based): chr10:124,408,601, C>A on the plus strand (G>T on the coding strand, the complement: OAT is on the minus strand). VCF-style: chr10-124408601-C-A. GRCh37 (hg19) VCF-style: chr10-126097170-C-A.
Other names: c.47G>T, p.Arg16Leu (NM_001171814.2); c.461G>T, p.Arg154Leu (NM_001322965.2, NM_001322966.2, NM_001322967.2 and 3 more transcripts); c.-254G>T (NM_001322974.2); c.200-3038G>T (NM_001322971.2); short protein forms R154L, R16L.
Identifiers: ClinVar variation 152 (VCV000000152.16), dbSNP rs121965039, ClinGen allele CA113928.
Genomic context (GRCh38, chr10:124,408,601, plus strand): 5'-CCTGCAAAAACAATCTTTGCTTTGTATTTCTGAATGCCCTTCACGGTATAGCCCCACTTA[C>A]GAGCTAGTTTACAGGCAGTCTCTCCAGCCTCCACTCCTATCAGGAGAGAAAAATGTTCAG-3'
Protein context (NP_000265.1, residues 144-164): EAGETACKLA[Arg154Leu]KWGYTVKGIQ

ClinVar aggregate classification (germline): Conflicting classifications of pathogenicity. Review status: criteria provided, conflicting classifications (1 of 4 stars). 6 submissions from 6 submitters: Likely pathogenic (4); Uncertain significance (1). 1 of the submissions does not count toward it. Last evaluated 2025-09-07.

Conditions:
Hyperornithinemia. Also called: Ornithinemia. Identifiers: MedGen C0599035, HP:0012026.
Ornithine aminotransferase deficiency (GACR). Also called: OAT DEFICIENCY; OKT DEFICIENCY; Ornithine ketoacid aminotransferase deficiency; Gyrate atrophy; Gyrate atrophy of choroid and retina; Girate atrophy of the retina. Identifiers: Orphanet 414, MedGen C0018425, MONDO:0009796, OMIM 258870.

gnomAD v4.1: 5 of 1,612,724 alleles (0.00031%); highest among the groups gnomAD compares: Admixed American, 0.0017%; no homozygotes.

Submissions (6):

Natera, Inc.
Classification: Likely pathogenic for Gyrate atrophy. Last evaluated: 2025-09-07. Review status: criteria provided, single submitter. Criteria: Natera Variant Classification Schema (03/2026). Collection method: clinical testing. Allele origin: germline.
Comment: The c.461G>T variant in OAT is a missense variant predicted to cause substitution of arginine to leucine at amino acid 154. This variant is rare in the general population with a frequency below the threshold expected for the associated phenotype(s). Functional studies show that this variant may disrupt protein function (PMID: 1737786). A different variant at the same position has been determined to be Pathogenic or Likely Pathogenic. Computational prediction algorithms indicate this variant is likely to affect gene or protein function. Given the available evidence, this variant is classified as Likely Pathogenic.

Labcorp Genetics (formerly Invitae), Labcorp
Classification: Likely pathogenic for Ornithine aminotransferase deficiency. Last evaluated: 2025-09-02. Review status: criteria provided, single submitter. Criteria: Invitae Variant Classification Sherloc (09022015). Collection method: clinical testing. Allele origin: germline.
Comment: This sequence change replaces arginine, which is basic and polar, with leucine, which is neutral and non-polar, at codon 154 of the OAT protein (p.Arg154Leu). This variant is not present in population databases (gnomAD no frequency). This missense change has been observed in individual(s) with gyrate atrophy of the choroid and retina (PMID: 1737786). ClinVar contains an entry for this variant (Variation ID: 152). Invitae Evidence Modeling of protein sequence and biophysical properties (such as structural, functional, and spatial information, amino acid conservation, physicochemical variation, residue mobility, and thermodynamic stability) indicates that this missense variant is expected to disrupt OAT protein function with a positive predictive value of 80%. Experimental studies have shown that this missense change affects OAT function (PMID: 1737786, 34395527, 36834788). This variant disrupts the p.Arg154 amino acid residue in OAT. Other variant(s) that disrupt this residue have been observed in individuals with OAT-related conditions (PMID: 28468868), which suggests that this may be a clinically significant amino acid residue. In summary, the currently available evidence indicates that the variant is pathogenic, but additional data are needed to prove that conclusively. Therefore, this variant has been classified as Likely Pathogenic.

Blueprint Genetics
Classification: Uncertain significance. Last evaluated: 2024-11-01. Review status: criteria provided, single submitter. Criteria: ACMG Guidelines, 2015. Collection method: clinical testing. Allele origin: germline.

Women's Health and Genetics/Laboratory Corporation of America, LabCorp
Classification: Likely pathogenic for Hyperornithinemia. Last evaluated: 2024-08-06. Review status: criteria provided, single submitter. Criteria: LabCorp Variant Classification Summary - May 2015. Collection method: clinical testing. Allele origin: germline.
Comment: Variant summary: OAT c.461G>T (p.Arg154Leu) results in a non-conservative amino acid change in the encoded protein sequence. Five of five in-silico tools predict a damaging effect of the variant on protein function. The variant was absent in 251370 control chromosomes. c.461G>T has been reported in the literature in one homozygous individual affected with Ornithine Aminotransferase Deficiency (Brody_1992). These data indicate that the variant may be associated with disease. Functionally, the variant was found to inhibit normal enzymatic activity in both cell culture and in vitro assays. Fibroblasts from a homozygous patient and transfected CHO cells had no observable enzymatic activity (Brody_1992). This was further investigated by using purified proteins produced in E. coli, where the variant protein was shown to have deficits in forming functional tetramers, instead forming non-functional dimers (Montioli_2021). The variant also had 350-fold lower catalytic activity in vitro (Montioli_2021). The following publications have been ascertained in the context of this evaluation (PMID: 1737786, 34395527). ClinVar contains an entry for this variant (Variation ID: 152). Based on the evidence outlined above, the variant was classified as likely pathogenic.

Baylor Genetics
Classification: Likely pathogenic for Ornithine aminotransferase deficiency. Last evaluated: 2023-12-13. Review status: criteria provided, single submitter. Criteria: ACMG Guidelines, 2015. Collection method: clinical testing. Allele origin: unknown.

OMIM
Classification: Pathogenic for GYRATE ATROPHY OF CHOROID AND RETINA. Last evaluated: 1992-02-15. Review status: no assertion criteria provided. Collection method: literature only. Allele origin: germline. Not counted in ClinVar's aggregate classification.

Literature cited by the submitters: PubMed 1737786 (cited by 4 submitters); PubMed 34395527 (cited by Labcorp Genetics (formerly Invitae), Labcorp and Women's Health and Genetics/Laboratory Corporation of America, LabCorp); PubMed 36834788 (cited by Labcorp Genetics (formerly Invitae), Labcorp); PubMed 28468868 (cited by Labcorp Genetics (formerly Invitae), Labcorp); PubMed 3339136 (cited by OMIM).